The following is an entry in ClinVar:

ClinVar aggregate classification (germline): Uncertain significance (1 of 4 stars; one submission).

Allele frequency attached by ClinVar (database versions not stated): ExAC 0.00001; 1000 Genomes Project 30x 0.00031; gnomAD exomes below 0.00001; 1000 Genomes Project 0.00020.
gnomAD v4.1: 8 of 1,614,034 alleles (0.0005%); highest among the groups gnomAD compares: South Asian, 0.0033%; no homozygotes.

Submission:

Labcorp Genetics (formerly Invitae), Labcorp
Classification: Uncertain significance. Last evaluated: 2022-07-06. Review status: criteria provided, single submitter. Criteria: Invitae Variant Classification Sherloc (09022015). Collection method: clinical testing. Allele origin: germline.
Comment: This sequence change replaces arginine, which is basic and polar, with tryptophan, which is neutral and slightly polar, at codon 1164 of the CDH23 protein (p.Arg1164Trp). This variant is present in population databases (rs553544669, gnomAD 0.003%). This variant has not been reported in the literature in individuals affected with CDH23-related conditions. ClinVar contains an entry for this variant (Variation ID: 1374832). Algorithms developed to predict the effect of missense changes on protein structure and function are either unavailable or do not agree on the potential impact of this missense change (SIFT: "Deleterious"; PolyPhen-2: "Not Available"; Align-GVGD: "Class C65"). In summary, the available evidence is currently insufficient to determine the role of this variant in disease. Therefore, it has been classified as a Variant of Uncertain Significance.

NM_022124.6(CDH23):c.3490C>T (p.Arg1164Trp)

Genes: C10orf105 (chromosome 10 open reading frame 105; minus strand), CDH23 (cadherin related 23; plus strand). Cytogenetic location: 10q22.1.
Variant type: single nucleotide variant.
Coding change: c.3490C>T on transcript NM_022124.6 (MANE Select); coding-DNA position 3490, C replaced by T.
Protein change: p.Arg1164Trp; replaces arginine 1164 with tryptophan.
Molecular consequence: missense variant. On other transcripts: intron variant (1).
Genome position (GRCh38, 1-based): chr10:71,725,431, C>T. VCF-style: chr10-71725431-C-T. GRCh37 (hg19) VCF-style: chr10-73485188-C-T.
Other names: c.3490C>T, p.Arg1164Trp (NM_001171930.2); c.-5-9089G>A (NM_001168390.2); short protein forms R1164W.
Identifiers: ClinVar variation 1374832 (VCV001374832.4), dbSNP rs553544669, ClinGen allele CA5544746.
Genomic context (GRCh38, chr10:71,725,431, plus strand): 5'-GGTAACCATGGCAACAACTTCCGGATCCATGTCAGCAATGGGCTCCTGATGCGAGGGCCC[C>T]GGCCCCTGGACCGGGAGCGGAACTCATCCCACGTGCTGATAGTGGAGGCCTACAACCACG-3'
Protein context (NP_071407.4, residues 1154-1174): VSNGLLMRGP[Arg1164Trp]PLDRERNSSH